The following is an entry in ClinVar:

NM_194248.3(OTOF):c.1702C>T (p.Arg568Trp)

Gene: OTOF (otoferlin; minus strand). Cytogenetic location: 2p23.3.
Variant type: single nucleotide variant.
Coding change: c.1702C>T on transcript NM_194248.3 (MANE Select); coding-DNA position 1702, C replaced by T.
Protein change: p.Arg568Trp; replaces arginine 568 with tryptophan.
Molecular consequence: missense variant.
Genome position (GRCh38, 1-based): chr2:26,480,887, G>A on the plus strand (C>T on the coding strand, the complement: OTOF is on the minus strand). VCF-style: chr2-26480887-G-A. GRCh37 (hg19) VCF-style: chr2-26703755-G-A.
Other names: c.1702C>T, p.Arg568Trp (NM_001287489.2); short protein forms R568W.
Identifiers: ClinVar variation 4879914 (VCV004879914.1).

ClinVar aggregate classification (germline): Likely pathogenic (0 of 4 stars; one submission).

Conditions:
Autosomal recessive nonsyndromic hearing loss 9. Also called: NEUROSENSORY NONSYNDROMIC RECESSIVE DEAFNESS 9; OTOF-Related Hearing Loss; Deafness, autosomal recessive 9; AUDITORY NEUROPATHY, AUTOSOMAL RECESSIVE, 1, TEMPERATURE-SENSITIVE. Identifiers: Orphanet 90636, MedGen C1832828, MONDO:0010986, OMIM 601071.

Submission:

Diagnosis and Treatment Center of Genetic Hearing Loss, Eye & ENT Hospital of Fudan University
Classification: Likely pathogenic for Autosomal recessive nonsyndromic hearing loss 9. Last evaluated: 2026-02-04. Review status: no assertion criteria provided. Collection method: clinical testing. Allele origin: germline. Inheritance: Autosomal recessive inheritance. Affected: yes.
Comment: The c.1702C>T missense variant in OTOF has a REVEL score of 0.902 (PP3_Moderate) and an extremely low population frequency (0.000008) (PM2_Supporting). It was reported in one patient in trans with a likely pathogenic variant (c.1702C>T) (PM3; PMID: 30368385). The phenotype is consistent with auditory neuropathy (PP4). Classification: Likely Pathogenic.

Literature cited by the submitters: PubMed 30368385.